The following is an entry in ClinVar:

ClinVar aggregate classification (germline): Uncertain significance. Review status: criteria provided, multiple submitters, no conflicts (2 of 4 stars). 2 submissions from 2 submitters: Uncertain significance (2). Last evaluated 2025-08-05.

Conditions:
Inborn genetic diseases. Identifiers: MedGen C0950123, MeSH D030342.

gnomAD v4.1: 1 of 1,551,698 alleles (0.000064%); highest among the groups gnomAD compares: Middle Eastern, 0.017%; no homozygotes.

Submissions (2):

Ambry Genetics
Classification: Uncertain significance for Inborn genetic diseases. Last evaluated: 2025-08-05. Review status: criteria provided, single submitter. Criteria: Ambry Variant Classification Scheme 2023. Collection method: clinical testing. Allele origin: germline.

Labcorp Genetics (formerly Invitae), Labcorp
Classification: Uncertain significance. Last evaluated: 2023-11-10. Review status: criteria provided, single submitter. Criteria: Invitae Variant Classification Sherloc (09022015). Collection method: clinical testing. Allele origin: germline.
Comment: This sequence change replaces alanine, which is neutral and non-polar, with threonine, which is neutral and polar, at codon 133 of the LRTOMT protein (p.Ala133Thr). This variant is present in population databases (rs76657474, gnomAD 0.002%). This variant has not been reported in the literature in individuals affected with LRTOMT-related conditions. ClinVar contains an entry for this variant (Variation ID: 1496548). Advanced modeling of protein sequence and biophysical properties (such as structural, functional, and spatial information, amino acid conservation, physicochemical variation, residue mobility, and thermodynamic stability) performed at Invitae indicates that this missense variant is not expected to disrupt LRTOMT protein function with a negative predictive value of 80%. In summary, the available evidence is currently insufficient to determine the role of this variant in disease. Therefore, it has been classified as a Variant of Uncertain Significance.

NM_001145308.5(LRTOMT):c.397G>A (p.Ala133Thr)

Genes: ANAPC15 (anaphase promoting complex subunit 15; minus strand), LRTOMT (leucine rich transmembrane and O-methyltransferase domain containing; plus strand), TOMT (transmembrane O-methyltransferase; plus strand). Cytogenetic location: 11q13.4.
Variant type: single nucleotide variant.
Coding change: c.397G>A on transcript NM_001145308.5; coding-DNA position 397, G replaced by A.
Protein change: p.Ala133Thr; replaces alanine 133 with threonine.
Molecular consequence: missense variant. On other transcripts: 3 prime UTR variant (3), non-coding transcript variant (1), intron variant (7).
Genome position (GRCh38, 1-based): chr11:72,107,961, G>A. VCF-style: chr11-72107961-G-A. GRCh37 (hg19) VCF-style: chr11-71819007-G-A.
Other names: c.298G>A, p.Ala100Thr (NM_001393500.2); c.397G>A, p.Ala133Thr (NM_001145309.4); c.277G>A, p.Ala93Thr (NM_001145310.4); c.*858C>T (NM_001393443.1, NM_001393444.1, NM_001393445.1); c.64-356C>T (NM_001393459.1); c.319-356C>T (NM_001393430.1, NM_001393429.1, NM_001393428.1 and 3 more transcripts); short protein forms A93T, A100T, A133T.
Identifiers: ClinVar variation 1496548 (VCV001496548.8), dbSNP rs76657474, ClinGen allele CA6168611.
Genomic context (GRCh38, chr11:72,107,961, plus strand): 5'-CAACAGCCATCTCCCCTCATAGGTCAGATCCTGATGCGGCTGGTGGAGGAGAAGGCCCCT[G>A]CTTGTGTGCTGGAATTGGGAACCTACTGTGGATACTCTACCCTGCTTATTGCCCGAGCCC-3'